The following is an entry in ClinVar:

ClinVar aggregate classification (germline): Uncertain significance. Review status: criteria provided, multiple submitters, no conflicts (2 of 4 stars). 7 submissions from 7 submitters: Uncertain significance (6). 1 of the submissions does not count toward it. Last evaluated 2025-12-12.

Conditions:
Cystic fibrosis (CF). Also called: MUCOVISCIDOSIS. Identifiers: Orphanet 586, MedGen C0010674, MONDO:0009061, OMIM 219700. Disease mechanism: loss of function.
CFTR-related disorder (CFTR-RD). Also called: CFTR-related disorders; CFTR-related condition. Identifiers: MedGen C5924204, MONDO:7770004.
Bronchiectasis with or without elevated sweat chloride 1 (BESC1). Also called: Cystic Fibrosis-Like Syndrome. Identifiers: Orphanet 60033, MedGen C2749757, MONDO:0008887, OMIM 211400.
Hereditary pancreatitis (PCTT). Also called: Hereditary chronic pancreatitis; PRSS1-Related Hereditary Pancreatitis. Identifiers: Orphanet 676, MedGen C0238339, MONDO:0008185, OMIM 167800.
Congenital bilateral aplasia of vas deferens from CFTR mutation (CBAVD). Identifiers: Orphanet 48, MedGen C0403814, MONDO:0010178, OMIM 277180. Disease mechanism: loss of function.

Allele frequency attached by ClinVar (database versions not stated): gnomAD 0.00003 and 0.00004; TOPMed 0.00005; ESP Exome Variant Server 0.00015.
gnomAD v4.1: 53 of 1,527,850 alleles (0.0035%); highest among the groups gnomAD compares: Non-Finnish European, 0.0041%; no homozygotes.

Submissions (7):

Ambry Genetics
Classification: Uncertain significance for Cystic fibrosis. Last evaluated: 2025-12-12. Review status: criteria provided, single submitter. Criteria: Ambry Variant Classification Scheme 2023. Collection method: clinical testing. Allele origin: germline.
Comment: The p.R785Q variant (also known as c.2354G>A), located in coding exon 14 of the CFTR gene, results from a G to A substitution at nucleotide position 2354. The arginine at codon 785 is replaced by glutamine, an amino acid with highly similar properties. This alteration was identified with the 5T variant in an individual diagnosed with pancreatitis (Keiles S et al. Pancreas, 2006 Oct;33:221-7).This amino acid position is not well conserved in available vertebrate species, and glutamine is the reference amino acid in other vertebrate species. In addition, the in silico prediction for this alteration is inconclusive. Since supporting evidence is limited at this time, the clinical significance of this alteration remains unclear.

ARUP Laboratories, Molecular Genetics and Genomics, ARUP Laboratories
Classification: Uncertain significance. Last evaluated: 2025-02-06. Review status: criteria provided, single submitter. Criteria: ARUP Molecular Germline Variant Investigation Process 2024. Collection method: clinical testing. Allele origin: germline.
Comment: The CFTR c.2354G>A; p.Arg785Gln variant (rs141880790, ClinVar Variation ID 573871) is reported in the literature in two individuals â€“ one affected with pancreatitis who also carries the common pathogenic 5T variant (Keiles 2006) and one affected with congenital absence of the vas deferens (Luo 2021). This variant is found in the general population with an overall allele frequency of 0.004% (7/184458 alleles) in the Genome Aggregation Database (v2.1.1). Computational analyses are uncertain whether this variant is neutral or deleterious (REVEL: 0.224). Due to limited information, the clinical significance of this variant is uncertain at this time. References: Keiles S. Identification of CFTR, PRSS1, and SPINK1 mutations in 381 patients with pancreatitis. Pancreas. 2006 Oct;33(3):221-7. doi: 10.1097/01.mpa.0000232014.94974.75. PMID: 17003641. Luo S et al. Mutation analysis of the cystic fibrosis transmembrane conductance regulator gene in Chinese congenital absence of vas deferens patients. Gene. 2021 Jan 10;765:145045. PMID: 32777524.

Quest Diagnostics Nichols Institute San Juan Capistrano
Classification: Uncertain significance. Last evaluated: 2023-09-15. Review status: criteria provided, single submitter. Criteria: Quest Diagnostics criteria. Collection method: clinical testing. Allele origin: unknown.
Comment: The CFTR c.2354G>A (p.Arg785Gln) variant has been reported in the published literature as heterozygous in an individual with CBAVD (congenital absence of the vas deferens) (PMID: 32777524 (2021)) and with the 5T variant in an individual with pancreatitis (PMID: 17003641 (2006)). The frequency of this variant in the general population, 0.00014 (3/21732 chromosomes (Genome Aggregation Database)), is uninformative in the assessment of its pathogenicity. Analysis of this variant using bioinformatics tools for the prediction of the effect of amino acid changes on protein structure and function yielded predictions that this variant is benign. Based on the available information, we are unable to determine the clinical significance of this variant.

Labcorp Genetics (formerly Invitae), Labcorp
Classification: Uncertain significance for Cystic fibrosis. Last evaluated: 2022-02-23. Review status: criteria provided, single submitter. Criteria: Invitae Variant Classification Sherloc (09022015). Collection method: clinical testing. Allele origin: germline.
Comment: This sequence change replaces arginine, which is basic and polar, with glutamine, which is neutral and polar, at codon 785 of the CFTR protein (p.Arg785Gln). This variant is present in population databases (rs141880790, gnomAD 0.007%). This missense change has been observed in individual(s) with pancreatitis (PMID: 17003641). ClinVar contains an entry for this variant (Variation ID: 573871). Algorithms developed to predict the effect of missense changes on protein structure and function output the following: SIFT: "Tolerated"; PolyPhen-2: "Benign"; Align-GVGD: "Class C0". The glutamine amino acid residue is found in multiple mammalian species, which suggests that this missense change does not adversely affect protein function. In summary, the available evidence is currently insufficient to determine the role of this variant in disease. Therefore, it has been classified as a Variant of Uncertain Significance.

Genome-Nilou Lab
Classification: Uncertain significance for Cystic fibrosis. Last evaluated: 2021-09-05. Review status: criteria provided, single submitter. Criteria: ACMG Guidelines, 2015. Collection method: clinical testing. Allele origin: germline. Affected: no.

Fulgent Genetics
Classification: Uncertain significance for Hereditary pancreatitis; Bronchiectasis with or without elevated sweat chloride 1; Cystic fibrosis; Congenital bilateral aplasia of vas deferens from CFTR mutation. Last evaluated: 2021-08-24. Review status: criteria provided, single submitter. Criteria: ACMG Guidelines, 2015. Collection method: clinical testing. Allele origin: unknown.

Natera, Inc.
Classification: Uncertain significance for CFTR-related disorders. Last evaluated: 2018-06-25. Review status: no assertion criteria provided. Collection method: clinical testing. Allele origin: germline. Not counted in ClinVar's aggregate classification.

Literature cited by the submitters: PubMed 17003641 (cited by 3 submitters); PubMed 32777524 (cited by Quest Diagnostics Nichols Institute San Juan Capistrano).

NM_000492.4(CFTR):c.2354G>A (p.Arg785Gln)

Gene: CFTR (CF transmembrane conductance regulator; plus strand). Cytogenetic location: 7q31.2.
Variant type: single nucleotide variant.
Coding change: c.2354G>A on transcript NM_000492.4 (MANE Select); coding-DNA position 2354, G replaced by A.
Protein change: p.Arg785Gln; replaces arginine 785 with glutamine.
Molecular consequence: missense variant.
Genome position (GRCh38, 1-based): chr7:117,592,521, G>A. VCF-style: chr7-117592521-G-A. GRCh37 (hg19) VCF-style: chr7-117232575-G-A.
Other names: short protein forms R785Q.
Identifiers: ClinVar variation 573871 (VCV000573871.22), dbSNP rs141880790, ClinGen allele CA4451175.